The following is an entry in ClinVar:

NM_001042492.3(NF1):c.7240C>G (p.His2414Asp)

Gene: NF1 (neurofibromin 1; plus strand). Cytogenetic location: 17q11.2.
Variant type: single nucleotide variant.
Coding change: c.7240C>G on transcript NM_001042492.3 (MANE Select); coding-DNA position 7240, C replaced by G.
Protein change: p.His2414Asp; replaces histidine 2414 with aspartic acid.
Molecular consequence: missense variant.
Genome position (GRCh38, 1-based): chr17:31,349,170, C>G. VCF-style: chr17-31349170-C-G. GRCh37 (hg19) VCF-style: chr17-29676188-C-G.
Other names: c.7177C>G, p.His2393Asp (NM_000267.4); short protein forms H2414D, H2393D.
Identifiers: ClinVar variation 2452286 (VCV002452286.2), dbSNP rs2070075234, ClinGen allele CA399016754.

ClinVar aggregate classification (germline): Uncertain significance (1 of 4 stars; one submission).

Conditions:
Hereditary cancer-predisposing syndrome. Also called: Neoplastic Syndromes, Hereditary; Tumor predisposition; Hereditary neoplastic syndrome; Hereditary Cancer Syndrome. Identifiers: Orphanet 140162, MedGen C0027672, MeSH D009386, MONDO:0015356.
Cardiovascular phenotype. Identifiers: MedGen CN230736.

Submission:

Ambry Genetics
Classification: Uncertain significance for Cardiovascular phenotype; Hereditary cancer-predisposing syndrome. Last evaluated: 2023-01-19. Review status: criteria provided, single submitter. Criteria: Ambry Variant Classification Scheme 2023. Collection method: clinical testing. Allele origin: germline.
Comment: The p.H2393D variant (also known as c.7177C>G), located in coding exon 48 of the NF1 gene, results from a C to G substitution at nucleotide position 7177. The histidine at codon 2393 is replaced by aspartic acid, an amino acid with similar properties. This amino acid position is conserved. In addition, the in silico prediction for this alteration is inconclusive. Since supporting evidence is limited at this time, the clinical significance of this alteration remains unclear.